The following is an entry in ClinVar:

ClinVar aggregate classification (germline): Uncertain significance. Review status: criteria provided, multiple submitters, no conflicts (2 of 4 stars). 2 submissions from 2 submitters: Uncertain significance (2). Last evaluated 2024-01-18.

Conditions:
Hereditary nonpolyposis colorectal neoplasms. Identifiers: MedGen C0009405, MeSH D003123.
Hereditary cancer-predisposing syndrome. Also called: Neoplastic Syndromes, Hereditary; Tumor predisposition; Hereditary neoplastic syndrome; Hereditary Cancer Syndrome. Identifiers: Orphanet 140162, MedGen C0027672, MeSH D009386, MONDO:0015356.

Submissions (2):

Labcorp Genetics (formerly Invitae), Labcorp
Classification: Uncertain significance for Hereditary nonpolyposis colorectal neoplasms. Last evaluated: 2024-01-18. Review status: criteria provided, single submitter. Criteria: Invitae Variant Classification Sherloc (09022015). Collection method: clinical testing. Allele origin: germline.
Comment: This sequence change replaces arginine, which is basic and polar, with proline, which is neutral and non-polar, at codon 199 of the PMS2 protein (p.Arg199Pro). This variant is not present in population databases (gnomAD no frequency). This variant has not been reported in the literature in individuals affected with PMS2-related conditions. ClinVar contains an entry for this variant (Variation ID: 826084). Advanced modeling of protein sequence and biophysical properties (such as structural, functional, and spatial information, amino acid conservation, physicochemical variation, residue mobility, and thermodynamic stability) performed at Invitae indicates that this missense variant is expected to disrupt PMS2 protein function with a positive predictive value of 80%. In summary, the available evidence is currently insufficient to determine the role of this variant in disease. Therefore, it has been classified as a Variant of Uncertain Significance.

Ambry Genetics
Classification: Uncertain significance for Hereditary cancer-predisposing syndrome. Last evaluated: 2018-11-26. Review status: criteria provided, single submitter. Criteria: Ambry Variant Classification Scheme 2023. Collection method: clinical testing. Allele origin: germline.
Comment: The p.R199P variant (also known as c.596G>C), located in coding exon 6 of the PMS2 gene, results from a G to C substitution at nucleotide position 596. The arginine at codon 199 is replaced by proline, an amino acid with dissimilar properties. This amino acid position is highly conserved in available vertebrate species. In addition, this alteration is predicted to be deleterious by in silico analysis. Since supporting evidence is limited at this time, the clinical significance of this alteration remains unclear.

NM_000535.7(PMS2):c.596G>C (p.Arg199Pro)

Gene: PMS2 (PMS1 homolog 2, mismatch repair system component; minus strand). Cytogenetic location: 7p22.1.
Variant type: single nucleotide variant.
Coding change: c.596G>C on transcript NM_000535.7 (MANE Select); coding-DNA position 596, G replaced by C.
Protein change: p.Arg199Pro; replaces arginine 199 with proline.
Molecular consequence: missense variant. On other transcripts: 5 prime UTR variant (2), non-coding transcript variant (1), intron variant (1).
Genome position (GRCh38, 1-based): chr7:5,999,217, C>G on the plus strand (G>C on the coding strand, the complement: PMS2 is on the minus strand). VCF-style: chr7-5999217-C-G. GRCh37 (hg19) VCF-style: chr7-6038848-C-G.
Other names: c.191G>C, p.Arg64Pro (NM_001322003.2, NM_001322004.2, NM_001322005.2 and 2 more transcripts); c.596G>C, p.Arg199Pro (NM_001322006.2, NM_001322014.2); c.278G>C, p.Arg93Pro (NM_001322007.2, NM_001322008.2); c.-338G>C (NM_001322011.2, NM_001322012.2); c.287G>C, p.Arg96Pro (NM_001322015.2); c.133-1794G>C (NM_001322013.2); short protein forms R64P, R199P, R93P, R96P.
Identifiers: ClinVar variation 826084 (VCV000826084.7), dbSNP rs876658387, ClinGen allele CA366744015.